The following is an entry in ClinVar:

NM_001114753.3(ENG):c.1484T>C (p.Leu495Pro)

Genes: ENG (endoglin; minus strand), LOC102723566 (uncharacterized LOC102723566; plus strand). Cytogenetic location: 9q34.11.
Variant type: single nucleotide variant.
Coding change: c.1484T>C on transcript NM_001114753.3 (MANE Select); coding-DNA position 1484, T replaced by C.
Protein change: p.Leu495Pro; replaces leucine 495 with proline.
Molecular consequence: missense variant. On other transcripts: non-coding transcript variant (1).
Genome position (GRCh38, 1-based): chr9:127,818,322, A>G on the plus strand (T>C on the coding strand, the complement: ENG is on the minus strand). VCF-style: chr9-127818322-A-G. GRCh37 (hg19) VCF-style: chr9-130580601-A-G.
Other names: c.1484T>C, p.Leu495Pro (NM_000118.4); c.938T>C, p.Leu313Pro (NM_001278138.2); short protein forms L313P, L495P.
Identifiers: ClinVar variation 983201 (VCV000983201.3), dbSNP rs1830384577, ClinGen allele CA374975873.

ClinVar aggregate classification (germline): Likely pathogenic (1 of 4 stars; one submission).

Conditions:
Telangiectasia, hereditary hemorrhagic, type 1 (HHT1). Also called: Osler Weber Rendu syndrome type 1; ENG-Related Hereditary Hemorrhagic Telangiectasia. Identifiers: Orphanet 774, MedGen C4551861, MONDO:0008535, OMIM 187300. Disease mechanism: loss of function.

Submission:

NIHR Bioresource Rare Diseases, University of Cambridge
Classification: Likely pathogenic for Telangiectasia, hereditary hemorrhagic, type 1. Last evaluated: 2018-01-01. Review status: criteria provided, single submitter. Criteria: ACMG Guidelines, 2015. Collection method: research. Allele origin: unknown. Affected: yes. Observed: 1 variant allele.
Comment: PM2+PM1+PP4

Literature cited by the submitters: PubMed 32573726.